The following is an entry in ClinVar:

NM_199420.4(POLQ):c.1528G>C (p.Gly510Arg)

Gene: POLQ (DNA polymerase theta; minus strand). Cytogenetic location: 3q13.33.
Variant type: single nucleotide variant.
Coding change: c.1528G>C on transcript NM_199420.4 (MANE Select); coding-DNA position 1528, G replaced by C.
Protein change: p.Gly510Arg; replaces glycine 510 with arginine.
Molecular consequence: missense variant.
Genome position (GRCh38, 1-based): chr3:121,511,970, C>G on the plus strand (G>C on the coding strand, the complement: POLQ is on the minus strand). VCF-style: chr3-121511970-C-G. GRCh37 (hg19) VCF-style: chr3-121230817-C-G.
Other names: short protein forms G510R.
Identifiers: ClinVar variation 1774559 (VCV001774559.2), dbSNP rs202095924, ClinGen allele CA2563512.

ClinVar aggregate classification (germline): Uncertain significance (1 of 4 stars; one submission).

Allele frequency attached by ClinVar (database versions not stated): gnomAD exomes below 0.00001; gnomAD 0.00001; ExAC 0.00002; 1000 Genomes Project 30x 0.00016; 1000 Genomes Project 0.00020.
gnomAD v4.1: 7 of 1,613,460 alleles (0.00043%); highest among the groups gnomAD compares: Non-Finnish European, 0.00051%; no homozygotes.

Submission:

Ambry Genetics
Classification: Uncertain significance. Last evaluated: 2021-07-27. Review status: criteria provided, single submitter. Criteria: Ambry Variant Classification Scheme 2023. Collection method: clinical testing. Allele origin: germline.
Comment: The p.G510R variant (also known as c.1528G>C), located in coding exon 10 of the POLQ gene, results from a G to C substitution at nucleotide position 1528. The glycine at codon 510 is replaced by arginine, an amino acid with dissimilar properties. This amino acid position is conserved. In addition, the in silico prediction for this alteration is inconclusive. Since supporting evidence is limited at this time, the clinical significance of this alteration remains unclear.